The following is an entry in ClinVar:

ClinVar aggregate classification (germline): Likely benign (1 of 4 stars; one submission).

Submission:

CeGaT Center for Human Genetics Tuebingen
Classification: Likely benign. Last evaluated: 2026-06-01. Review status: criteria provided, single submitter. Criteria: CeGaT Center For Human Genetics Tuebingen Variant Classification Criteria Version 2. Collection method: clinical testing. Allele origin: germline. Affected: yes. Observed: 2 variant alleles.
Comment: TRIOBP: PM2:Supporting, BP4, BP7

NM_001039141.3(TRIOBP):c.231A>T (p.Pro77=)

Gene: TRIOBP (TRIO and F-actin binding protein; plus strand). Cytogenetic location: 22q13.1.
Variant type: single nucleotide variant.
Coding change: c.231A>T on transcript NM_001039141.3 (MANE Select); coding-DNA position 231, A replaced by T.
Protein change: p.Pro77=; no amino-acid change (proline 77 retained).
Molecular consequence: synonymous variant.
Genome position (GRCh38, 1-based): chr22:37,710,543, A>T. VCF-style: chr22-37710543-A-T. GRCh37 (hg19) VCF-style: chr22-38106550-A-T.
Identifiers: ClinVar variation 2498904 (VCV002498904.28), dbSNP rs2145819204, ClinGen allele CA514524920.